The following is an entry in ClinVar:

ClinVar aggregate classification (germline): Uncertain significance (1 of 4 stars; one submission).

gnomAD v4.1: 3 of 1,613,866 alleles (0.00019%); highest among the groups gnomAD compares: African/African-American, 0.004%; no homozygotes.

Submission:

Labcorp Genetics (formerly Invitae), Labcorp
Classification: Uncertain significance. Last evaluated: 2025-10-26. Review status: criteria provided, single submitter. Criteria: Invitae Variant Classification Sherloc (09022015). Collection method: clinical testing. Allele origin: germline.
Comment: This sequence change replaces glycine, which is neutral and non-polar, with valine, which is neutral and non-polar, at codon 248 of the NOTCH3 protein (p.Gly248Val). This variant is present in population databases (rs141402160, gnomAD 0.01%). This variant has not been reported in the literature in individuals affected with NOTCH3-related conditions. Invitae Evidence Modeling of protein sequence and biophysical properties (such as structural, functional, and spatial information, amino acid conservation, physicochemical variation, residue mobility, and thermodynamic stability) indicates that this missense variant is expected to disrupt NOTCH3 protein function with a positive predictive value of 95%. In summary, the available evidence is currently insufficient to determine the role of this variant in disease. Therefore, it has been classified as a Variant of Uncertain Significance.

NM_000435.3(NOTCH3):c.743G>T (p.Gly248Val)

Gene: NOTCH3 (notch receptor 3; minus strand). Cytogenetic location: 19p13.12.
Variant type: single nucleotide variant.
Coding change: c.743G>T on transcript NM_000435.3 (MANE Select); coding-DNA position 743, G replaced by T.
Protein change: p.Gly248Val; replaces glycine 248 with valine.
Molecular consequence: missense variant.
Genome position (GRCh38, 1-based): chr19:15,191,804, C>A on the plus strand (G>T on the coding strand, the complement: NOTCH3 is on the minus strand). VCF-style: chr19-15191804-C-A. GRCh37 (hg19) VCF-style: chr19-15302615-C-A.
Other names: short protein forms G248V.
Identifiers: ClinVar variation 4748760 (VCV004748760.1).